The following is an entry in ClinVar:

NM_003331.5(TYK2):c.406C>A (p.Gln136Lys)

Gene: TYK2 (tyrosine kinase 2; minus strand). Cytogenetic location: 19p13.2.
Variant type: single nucleotide variant.
Coding change: c.406C>A on transcript NM_003331.5 (MANE Select); coding-DNA position 406, C replaced by A.
Protein change: p.Gln136Lys; replaces glutamine 136 with lysine.
Molecular consequence: missense variant.
Genome position (GRCh38, 1-based): chr19:10,368,114, G>T on the plus strand (C>A on the coding strand, the complement: TYK2 is on the minus strand). VCF-style: chr19-10368114-G-T. GRCh37 (hg19) VCF-style: chr19-10478790-G-T.
Other names: c.406C>A, p.Gln136Lys (NM_001385197.1, NM_001385198.1, NM_001385199.1 and 8 more transcripts); short protein forms Q136K.
Identifiers: ClinVar variation 1371321 (VCV001371321.8), dbSNP rs766052825, ClinGen allele CA9193750.

ClinVar aggregate classification (germline): Uncertain significance (1 of 4 stars; one submission).

Conditions:
Immunodeficiency 35 (IMD35). Also called: HIES WITH ATYPICAL MYCOBACTERIOSIS, AUTOSOMAL RECESSIVE; HYPER-IgE SYNDROME WITH ATYPICAL MYCOBACTERIOSIS, AUTOSOMAL RECESSIVE; Susceptibility to infection due to TYK2 deficiency; TYK2 DEFICIENCY. Identifiers: Orphanet 331226, MedGen C1969086, MONDO:0012682, OMIM 611521.

Allele frequency attached by ClinVar (database versions not stated): gnomAD 0.00001; gnomAD exomes 0.00001; TOPMed 0.00001; ExAC 0.00002.
gnomAD v4.1: 4 of 1,613,970 alleles (0.00025%); highest among the groups gnomAD compares: Non-Finnish European, 0.00034%; no homozygotes.

Submission:

Labcorp Genetics (formerly Invitae), Labcorp
Classification: Uncertain significance for Immunodeficiency 35. Last evaluated: 2021-05-29. Review status: criteria provided, single submitter. Criteria: Invitae Variant Classification Sherloc (09022015). Collection method: clinical testing. Allele origin: germline.
Comment: In summary, the available evidence is currently insufficient to determine the role of this variant in disease. Therefore, it has been classified as a Variant of Uncertain Significance. Algorithms developed to predict the effect of missense changes on protein structure and function output the following: SIFT: "Not Available"; PolyPhen-2: "Benign"; Align-GVGD: "Not Available". The lysine amino acid residue is found in multiple mammalian species, suggesting that this missense change does not adversely affect protein function. These predictions have not been confirmed by published functional studies and their clinical significance is uncertain. This variant has not been reported in the literature in individuals with TYK2-related conditions. This variant is present in population databases (rs766052825, ExAC 0.004%). This sequence change replaces glutamine with lysine at codon 136 of the TYK2 protein (p.Gln136Lys). The glutamine residue is moderately conserved and there is a small physicochemical difference between glutamine and lysine.